The following is an entry in ClinVar:

NM_006060.6(IKZF1):c.698C>T (p.Pro233Leu)

Gene: IKZF1 (IKAROS family zinc finger 1; plus strand). Cytogenetic location: 7p12.2.
Variant type: single nucleotide variant.
Coding change: c.698C>T on transcript NM_006060.6 (MANE Select); coding-DNA position 698, C replaced by T.
Protein change: p.Pro233Leu; replaces proline 233 with leucine.
Molecular consequence: missense variant. On other transcripts: intron variant (9).
Genome position (GRCh38, 1-based): chr7:50,387,453, C>T. VCF-style: chr7-50387453-C-T. GRCh37 (hg19) VCF-style: chr7-50455151-C-T.
Other names: c.437C>T, p.Pro146Leu (NM_001220767.2, NM_001291838.2); c.269C>T, p.Pro90Leu (NM_001291841.1, NM_001291842.1); c.758C>T, p.Pro253Leu (NM_001410879.1); c.329-4276C>T (NM_001291839.2, NM_001220770.2); c.590-4276C>T (NM_001220765.3, NM_001291837.2); c.589+4746C>T (NM_001220768.2); c.421+10660C>T (NM_001220771.2); c.161-4276C>T (NM_001291843.1, NM_001291844.1); and 1 more; short protein forms P233L, P90L, P253L, P146L.
Identifiers: ClinVar variation 3691944 (VCV003691944.2).
Genomic context (GRCh38, chr7:50,387,453, plus strand): 5'-GAAGCTCTTTAGAGGAACATAAAGAGCGCTGCCACAACTACTTGGAAAGCATGGGCCTTC[C>T]GGGCACACTGTACCCAGGTAAGCGCTGCTGCTCGGAGGCCAGCCTGGTGGGCTCTCCCCC-3'
Protein context (NP_006051.1, residues 223-243): CHNYLESMGL[Pro233Leu]GTLYPVIKEE

ClinVar aggregate classification (germline): Uncertain significance (1 of 4 stars; one submission).

gnomAD v4.1: 2 of 1,611,140 alleles (0.00012%); highest among the groups gnomAD compares: South Asian, 0.0011%; no homozygotes.

Submission:

Labcorp Genetics (formerly Invitae), Labcorp
Classification: Uncertain significance. Last evaluated: 2025-01-27. Review status: criteria provided, single submitter. Criteria: Invitae Variant Classification Sherloc (09022015). Collection method: clinical testing. Allele origin: germline.
Comment: This sequence change replaces proline, which is neutral and non-polar, with leucine, which is neutral and non-polar, at codon 233 of the IKZF1 protein (p.Pro233Leu). The frequency data for this variant in the population databases is considered unreliable, as metrics indicate poor data quality at this position in the gnomAD database. This variant has not been reported in the literature in individuals affected with IKZF1-related conditions. An algorithm developed to predict the effect of missense changes on protein structure and function (PolyPhen-2) suggests that this variant is likely to be tolerated. In summary, the available evidence is currently insufficient to determine the role of this variant in disease. Therefore, it has been classified as a Variant of Uncertain Significance.